The following is an entry in ClinVar:

ClinVar aggregate classification (germline): Uncertain significance. Review status: criteria provided, multiple submitters, no conflicts (2 of 4 stars). 3 submissions from 3 submitters: Uncertain significance (3). Last evaluated 2025-04-16.

Conditions:
Inborn genetic diseases. Identifiers: MedGen C0950123, MeSH D030342.
Congenital myotonia, autosomal recessive form. Also called: myotonia congenita, autosomal recessive; BECKER DISEASE; Becker Generalized Myotonia. Identifiers: Orphanet 614, MedGen C0751360, MONDO:0009715, OMIM 255700.
Congenital myotonia, autosomal dominant form (THD). Also called: THOMSEN DISEASE; Myotonia congenita autosomal dominant. Identifiers: Orphanet 614, MedGen C2936781, MONDO:0008055, OMIM 160800.

gnomAD v4.1: 2 of 1,614,158 alleles (0.00012%); highest among the groups gnomAD compares: Non-Finnish European, 0.00017%; no homozygotes.

Submissions (3):

Ambry Genetics
Classification: Uncertain significance for Inborn genetic diseases. Last evaluated: 2025-04-16. Review status: criteria provided, single submitter. Criteria: Ambry Variant Classification Scheme 2023. Collection method: clinical testing. Allele origin: germline.

Labcorp Genetics (formerly Invitae), Labcorp
Classification: Uncertain significance for Congenital myotonia, autosomal recessive form; Congenital myotonia, autosomal dominant form. Last evaluated: 2023-01-10. Review status: criteria provided, single submitter. Criteria: Invitae Variant Classification Sherloc (09022015). Collection method: clinical testing. Allele origin: germline.
Comment: ClinVar contains an entry for this variant (Variation ID: 447063). In summary, the available evidence is currently insufficient to determine the role of this variant in disease. Therefore, it has been classified as a Variant of Uncertain Significance. Advanced modeling of protein sequence and biophysical properties (such as structural, functional, and spatial information, amino acid conservation, physicochemical variation, residue mobility, and thermodynamic stability) performed at Invitae indicates that this missense variant is expected to disrupt CLCN1 protein function. This variant has not been reported in the literature in individuals affected with CLCN1-related conditions. This variant is not present in population databases (gnomAD no frequency). This sequence change replaces aspartic acid, which is acidic and polar, with histidine, which is basic and polar, at codon 822 of the CLCN1 protein (p.Asp822His).

Athena Diagnostics
Classification: Uncertain significance. Last evaluated: 2017-06-05. Review status: criteria provided, single submitter. Criteria: Athena Diagnostics Criteria. Collection method: clinical testing. Allele origin: germline.

NM_000083.3(CLCN1):c.2464G>C (p.Asp822His)

Gene: CLCN1 (chloride voltage-gated channel 1; plus strand). Cytogenetic location: 7q34.
Variant type: single nucleotide variant.
Coding change: c.2464G>C on transcript NM_000083.3 (MANE Select); coding-DNA position 2464, G replaced by C.
Protein change: p.Asp822His; replaces aspartic acid 822 with histidine.
Molecular consequence: missense variant. On other transcripts: non-coding transcript variant (1).
Genome position (GRCh38, 1-based): chr7:143,350,432, G>C. VCF-style: chr7-143350432-G-C. GRCh37 (hg19) VCF-style: chr7-143047525-G-C.
Other names: short protein forms D822H.
Identifiers: ClinVar variation 447063 (VCV000447063.5), dbSNP rs143146088, ClinGen allele CA369652598.